The following is an entry in ClinVar:

ClinVar aggregate classification (germline): Uncertain significance (1 of 4 stars; one submission).

gnomAD v4.1: 2 of 1,614,030 alleles (0.00012%); highest among the groups gnomAD compares: Admixed American, 0.0017%; no homozygotes.

Submission:

Labcorp Genetics (formerly Invitae), Labcorp
Classification: Uncertain significance. Last evaluated: 2024-03-11. Review status: criteria provided, single submitter. Criteria: Invitae Variant Classification Sherloc (09022015). Collection method: clinical testing. Allele origin: germline.
Comment: This sequence change replaces glycine, which is neutral and non-polar, with serine, which is neutral and polar, at codon 35 of the SYT2 protein (p.Gly35Ser). This variant is not present in population databases (gnomAD no frequency). This variant has not been reported in the literature in individuals affected with SYT2-related conditions. An algorithm developed to predict the effect of missense changes on protein structure and function (PolyPhen-2) suggests that this variant is likely to be tolerated. In summary, the available evidence is currently insufficient to determine the role of this variant in disease. Therefore, it has been classified as a Variant of Uncertain Significance.

NM_177402.5(SYT2):c.103G>A (p.Gly35Ser)

Gene: SYT2 (synaptotagmin 2; minus strand). Cytogenetic location: 1q32.1.
Variant type: single nucleotide variant.
Coding change: c.103G>A on transcript NM_177402.5 (MANE Select); coding-DNA position 103, G replaced by A.
Protein change: p.Gly35Ser; replaces glycine 35 with serine.
Molecular consequence: missense variant.
Genome position (GRCh38, 1-based): chr1:202,605,670, C>T on the plus strand (G>A on the coding strand, the complement: SYT2 is on the minus strand). VCF-style: chr1-202605670-C-T. GRCh37 (hg19) VCF-style: chr1-202574798-C-T.
Other names: c.103G>A, p.Gly35Ser (NM_001136504.1); short protein forms G35S.
Identifiers: ClinVar variation 2867435 (VCV002867435.3), dbSNP rs1343009778, ClinGen allele CA344259731.